The following is an entry in ClinVar:

NM_004204.5(PIGQ):c.634A>C (p.Ile212Leu)

Gene: PIGQ (phosphatidylinositol glycan anchor biosynthesis class Q; plus strand). Cytogenetic location: 16p13.3.
Variant type: single nucleotide variant.
Coding change: c.634A>C on transcript NM_004204.5 (MANE Select); coding-DNA position 634, A replaced by C.
Protein change: p.Ile212Leu; replaces isoleucine 212 with leucine.
Molecular consequence: missense variant.
Genome position (GRCh38, 1-based): chr16:574,708, A>C. VCF-style: chr16-574708-A-C. GRCh37 (hg19) VCF-style: chr16-624708-A-C.
Other names: c.634A>C, p.Ile212Leu (NM_148920.4); c.634A>C (NM_148920.1); short protein forms I212L.
Identifiers: ClinVar variation 526277 (VCV000526277.7), dbSNP rs758356668, ClinGen allele CA7779928.

ClinVar aggregate classification (germline): Uncertain significance. Review status: criteria provided, multiple submitters, no conflicts (2 of 4 stars). 2 submissions from 2 submitters: Uncertain significance (2). Last evaluated 2025-05-23.

Conditions:
Epilepsy. Also called: Seizure disorder. Identifiers: MedGen C0014544, MeSH D004827, MONDO:0005027.
Inborn genetic diseases. Identifiers: MedGen C0950123, MeSH D030342.

Allele frequency attached by ClinVar (database versions not stated): gnomAD 0.00003; gnomAD exomes 0.00003; ExAC 0.00005; TOPMed 0.00005.
gnomAD v4.1: 308 of 1,596,166 alleles (0.019%); highest among the groups gnomAD compares: Non-Finnish European, 0.026%; no homozygotes.

Submissions (2):

Ambry Genetics
Classification: Uncertain significance for Inborn genetic diseases. Last evaluated: 2025-05-23. Review status: criteria provided, single submitter. Criteria: Ambry Variant Classification Scheme 2023. Collection method: clinical testing. Allele origin: germline.

Labcorp Genetics (formerly Invitae), Labcorp
Classification: Uncertain significance for Epilepsy. Last evaluated: 2022-03-12. Review status: criteria provided, single submitter. Criteria: Invitae Variant Classification Sherloc (09022015). Collection method: clinical testing. Allele origin: germline.
Comment: This sequence change replaces isoleucine, which is neutral and non-polar, with leucine, which is neutral and non-polar, at codon 212 of the PIGQ protein (p.Ile212Leu). This variant is present in population databases (rs758356668, gnomAD 0.005%). This variant has not been reported in the literature in individuals affected with PIGQ-related conditions. ClinVar contains an entry for this variant (Variation ID: 526277). Algorithms developed to predict the effect of missense changes on protein structure and function (SIFT, PolyPhen-2, Align-GVGD) all suggest that this variant is likely to be tolerated. In summary, the available evidence is currently insufficient to determine the role of this variant in disease. Therefore, it has been classified as a Variant of Uncertain Significance.